The following is an entry in ClinVar:

NM_001351132.2(PEX5):c.83A>G (p.Lys28Arg)

Gene: PEX5 (peroxisomal biogenesis factor 5; plus strand). Cytogenetic location: 12p13.31.
Variant type: single nucleotide variant.
Coding change: c.83A>G on transcript NM_001351132.2 (MANE Select); coding-DNA position 83, A replaced by G.
Protein change: p.Lys28Arg; replaces lysine 28 with arginine.
Molecular consequence: missense variant.
Genome position (GRCh38, 1-based): chr12:7,190,460, A>G. VCF-style: chr12-7190460-A-G. GRCh37 (hg19) VCF-style: chr12-7343056-A-G.
Other names: c.83A>G, p.Lys28Arg (NM_001351130.3, NM_001351131.2, NM_001351133.2 and 22 more transcripts); short protein forms K28R.
Identifiers: ClinVar variation 846108 (VCV000846108.7), dbSNP rs759345862, ClinGen allele CA6425988.

ClinVar aggregate classification (germline): Uncertain significance (1 of 4 stars; one submission).

Conditions:
Peroxisome biogenesis disorder 2B (PBD2B). Identifiers: Orphanet 44, MedGen C3550234, MONDO:0008736, OMIM 202370.

Allele frequency attached by ClinVar (database versions not stated): gnomAD exomes 0.00001 and 0.00004; ExAC 0.00002; gnomAD 0.00002; TOPMed 0.00002.
gnomAD v4.1: 22 of 1,613,940 alleles (0.0014%); highest among the groups gnomAD compares: Non-Finnish European, 0.00025%; no homozygotes.

Submission:

Labcorp Genetics (formerly Invitae), Labcorp
Classification: Uncertain significance for Peroxisome biogenesis disorder 2B. Last evaluated: 2022-02-24. Review status: criteria provided, single submitter. Criteria: Invitae Variant Classification Sherloc (09022015). Collection method: clinical testing. Allele origin: germline.
Comment: This sequence change replaces lysine, which is basic and polar, with arginine, which is basic and polar, at codon 28 of the PEX5 protein (p.Lys28Arg). This variant is present in population databases (rs759345862, gnomAD 0.07%). This variant has not been reported in the literature in individuals affected with PEX5-related conditions. ClinVar contains an entry for this variant (Variation ID: 846108). Algorithms developed to predict the effect of missense changes on protein structure and function (SIFT, PolyPhen-2, Align-GVGD) all suggest that this variant is likely to be tolerated. Experimental studies have shown that this missense change does not substantially affect PEX5 function (PMID: 26344566). Algorithms developed to predict the effect of sequence changes on RNA splicing suggest that this variant may disrupt the consensus splice site. In summary, the available evidence is currently insufficient to determine the role of this variant in disease. Therefore, it has been classified as a Variant of Uncertain Significance.

Literature cited by the submitters: PubMed 26344566.